The following is an entry in ClinVar:

ClinVar aggregate classification (germline): Uncertain significance (1 of 4 stars; one submission).

Allele frequency attached by ClinVar (database versions not stated): gnomAD exomes below 0.00001; TOPMed below 0.00001; gnomAD 0.00001.
gnomAD v4.1: 3 of 1,614,090 alleles (0.00019%); highest among the groups gnomAD compares: Non-Finnish European, 0.00025%; no homozygotes.

Submission:

Labcorp Genetics (formerly Invitae), Labcorp
Classification: Uncertain significance. Last evaluated: 2022-04-20. Review status: criteria provided, single submitter. Criteria: Invitae Variant Classification Sherloc (09022015). Collection method: clinical testing. Allele origin: germline.
Comment: This variant has not been reported in the literature in individuals affected with MTOR-related conditions. This variant is not present in population databases (gnomAD no frequency). This sequence change replaces glutamine, which is neutral and polar, with arginine, which is basic and polar, at codon 689 of the MTOR protein (p.Gln689Arg). Advanced modeling of protein sequence and biophysical properties (such as structural, functional, and spatial information, amino acid conservation, physicochemical variation, residue mobility, and thermodynamic stability) performed at Invitae indicates that this missense variant is expected to disrupt MTOR protein function. In summary, the available evidence is currently insufficient to determine the role of this variant in disease. Therefore, it has been classified as a Variant of Uncertain Significance.

NM_004958.4(MTOR):c.2066A>G (p.Gln689Arg)

Gene: MTOR (mechanistic target of rapamycin kinase; minus strand). Cytogenetic location: 1p36.22.
Variant type: single nucleotide variant.
Coding change: c.2066A>G on transcript NM_004958.4 (MANE Select); coding-DNA position 2066, A replaced by G.
Protein change: p.Gln689Arg; replaces glutamine 689 with arginine.
Molecular consequence: missense variant.
Genome position (GRCh38, 1-based): chr1:11,237,985, T>C on the plus strand (A>G on the coding strand, the complement: MTOR is on the minus strand). VCF-style: chr1-11237985-T-C. GRCh37 (hg19) VCF-style: chr1-11298042-T-C.
Other names: c.2066A>G, p.Gln689Arg (NM_001386500.1); c.818A>G, p.Gln273Arg (NM_001386501.1); short protein forms Q273R, Q689R.
Identifiers: ClinVar variation 1918443 (VCV001918443.5), dbSNP rs1402081806, ClinGen allele CA338387997.